The following is an entry in ClinVar:

NM_003108.4(SOX11):c.305C>T (p.Ala102Val)

Gene: SOX11 (SRY-box transcription factor 11; plus strand). Cytogenetic location: 2p25.2.
Variant type: single nucleotide variant.
Coding change: c.305C>T on transcript NM_003108.4 (MANE Select); coding-DNA position 305, C replaced by T.
Protein change: p.Ala102Val; replaces alanine 102 with valine.
Molecular consequence: missense variant.
Genome position (GRCh38, 1-based): chr2:5,693,026, C>T. VCF-style: chr2-5693026-C-T. GRCh37 (hg19) VCF-style: chr2-5833158-C-T.
Other names: short protein forms A102V.
Identifiers: ClinVar variation 870388 (VCV000870388.5), dbSNP rs1665661372, ClinGen allele CA345866420.
Genomic context (GRCh38, chr2:5,693,026, plus strand): 5'-GGCTGGGCAAGCGCTGGAAAATGCTGAAGGACAGCGAGAAGATCCCGTTCATCCGGGAGG[C>T]GGAGCGGCTGCGGCTCAAGCACATGGCCGACTACCCCGACTACAAGTACCGGCCCCGGAA-3'
Protein context (NP_003099.1, residues 92-112): DSEKIPFIRE[Ala102Val]ERLRLKHMAD

ClinVar aggregate classification (germline): Pathogenic/Likely pathogenic. Review status: criteria provided, multiple submitters, no conflicts (2 of 4 stars). 4 submissions from 4 submitters: Pathogenic (1); Likely pathogenic (3). Last evaluated 2025-11-03.

Conditions:
Intellectual developmental disorder with microcephaly and with or without ocular malformations or hypogonadotropic hypogonadism. Also called: Intellectual disability, autosomal dominant 27; Coffin-Siris Syndrome 9. Identifiers: Orphanet 1465, MedGen C4014528, MONDO:0014376, OMIM 615866.
SOX11-related disorder. Also called: SOX11-related condition.

Submissions (4):

Labcorp Genetics (formerly Invitae), Labcorp
Classification: Pathogenic. Last evaluated: 2025-11-03. Review status: criteria provided, single submitter. Criteria: Invitae Variant Classification Sherloc (09022015). Collection method: clinical testing. Allele origin: germline.
Comment: This sequence change replaces alanine, which is neutral and non-polar, with valine, which is neutral and non-polar, at codon 102 of the SOX11 protein (p.Ala102Val). This variant is not present in population databases (gnomAD no frequency). This missense change has been observed in individual(s) with clinical features of Coffin-Siris syndrome (PMID: 28787104, 32573669, 33057194, 35904121, 39333428). In at least one individual the variant was observed to be de novo. ClinVar contains an entry for this variant (Variation ID: 870388). Invitae Evidence Modeling of protein sequence and biophysical properties (such as structural, functional, and spatial information, amino acid conservation, physicochemical variation, residue mobility, and thermodynamic stability) indicates that this missense variant is expected to disrupt SOX11 protein function with a positive predictive value of 95%. For these reasons, this variant has been classified as Pathogenic.

SIB Swiss Institute of Bioinformatics
Classification: Likely pathogenic for Intellectual developmental disorder with microcephaly and with or without ocular malformations or hypogonadotropic hypogonadism. Last evaluated: 2023-03-09. Review status: criteria provided, single submitter. Criteria: ACMG Guidelines, 2015. Collection method: curation. Allele origin: unknown.
Comment: This variant is interpreted as likely pathogenic for Intellectual developmental disorder with microcephaly and with or without ocular malformations or hypogonadotropic hypogonadism, autosomal dominant. The following ACMG Tag(s) were applied: Absent from controls (or at extremely low frequency if recessive) in Exome Sequencing Project, 1000 Genomes Project, or Exome Aggregation Consortium (PM2); De novo paternity and maternity not confirmed (PM6); Located in a mutational hot spot and/or critical and well-established functional domain (e.g., active site of an enzyme) without benign variation (PM1); Multiple lines of computational evidence support a deleterious effect on the gene or gene product (PP3).

Blueprint Genetics
Classification: Likely pathogenic for SOX11-related disorders. Last evaluated: 2018-11-29. Review status: criteria provided, single submitter. Criteria: ACMG Guidelines, 2015. Collection method: clinical testing. Allele origin: de novo. Affected: yes. Observed: 1 variant allele.

Victorian Clinical Genetics Services, Murdoch Childrens Research Institute
Classification: Likely pathogenic for Intellectual developmental disorder with microcephaly and with or without ocular malformations or hypogonadotropic hypogonadism. Last evaluated: 2018-02-17. Review status: criteria provided, single submitter. Criteria: ACMG Guidelines, 2015. Collection method: clinical testing. Allele origin: de novo. Affected: yes. Observed: 1 variant allele.
Comment: A heterozygous missense variant, NM_003108.3(SOX11):c.305C>T, has been identified in exon 1 of 1 of the SOX11 gene. The variant is predicted to result in a minor amino acid change from Alanine to Valine at position 102 of the protein (NM_003108.3(SOX11):p.(Ala102Val)). The Alanine residue at this position has very high conservation (100 vertebrates, UCSC), and is located within the HMG box functional domain. In-silico predictions for this variant are consistently pathogenic (Polyphen, SIFT, CADD, Mutation Taster). The variant is absent in population databases (gnomAD, dbSNP, 1000G) and has not previously been reported in clinical cases. Subsequent analysis of parental samples indicated this variant to be de novo. Based on the information available at the time of curation, this variant has been classified as LIKELY PATHOGENIC.

Literature cited by the submitters: PubMed 28787104 (cited by Labcorp Genetics (formerly Invitae), Labcorp and SIB Swiss Institute of Bioinformatics); PubMed 32573669 (cited by Labcorp Genetics (formerly Invitae), Labcorp); PubMed 33057194 (cited by Labcorp Genetics (formerly Invitae), Labcorp); PubMed 35904121 (cited by Labcorp Genetics (formerly Invitae), Labcorp); PubMed 39333428 (cited by Labcorp Genetics (formerly Invitae), Labcorp).